The following is an entry in ClinVar:

NM_058216.3(RAD51C):c.396A>C (p.Thr132=)

Gene: RAD51C (RAD51 paralog C; plus strand). Cytogenetic location: 17q22.
Variant type: single nucleotide variant.
Coding change: c.396A>C on transcript NM_058216.3 (MANE Select); coding-DNA position 396, A replaced by C.
Protein change: p.Thr132=; no amino-acid change (threonine 132 retained).
Molecular consequence: synonymous variant. On other transcripts: non-coding transcript variant (2).
Genome position (GRCh38, 1-based): chr17:58,695,181, A>C. VCF-style: chr17-58695181-A-C. GRCh37 (hg19) VCF-style: chr17-56772542-A-C.
Other names: c.396A>C, p.Thr132= (NM_002876.4).
Identifiers: ClinVar variation 484759 (VCV000484759.20), dbSNP rs766221834, ClinGen allele CA8677206.

ClinVar aggregate classification (germline): Conflicting classifications of pathogenicity. Review status: criteria provided, conflicting classifications (1 of 4 stars). 6 submissions from 6 submitters: Uncertain significance (1); Benign (1); Likely benign (4). Last evaluated 2026-01-26.

Conditions:
Hereditary cancer-predisposing syndrome. Also called: Hereditary neoplastic syndrome; Neoplastic Syndromes, Hereditary; Tumor predisposition; Hereditary Cancer Syndrome. Identifiers: Orphanet 140162, MedGen C0027672, MeSH D009386, MONDO:0015356.
Breast-ovarian cancer, familial, susceptibility to, 3. Also called: RAD51C-Related Breast/Ovarian Cancer. Identifiers: Orphanet 145, MedGen C3150659, MONDO:0013253, OMIM 613399.
Fanconi anemia complementation group O. Also called: RAD51C-Related Fanconi Anemia. Identifiers: Orphanet 84, MedGen C3150653, MONDO:0013248, OMIM 613390.

gnomAD v4.1: 6 of 1,611,070 alleles (0.00037%); highest among the groups gnomAD compares: Admixed American, 0.0067%; no homozygotes.

Submissions (6):

Labcorp Genetics (formerly Invitae), Labcorp
Classification: Likely benign for Fanconi anemia complementation group O. Last evaluated: 2026-01-26. Review status: criteria provided, single submitter. Criteria: Invitae Variant Classification Sherloc (09022015). Collection method: clinical testing. Allele origin: germline.

Myriad Genetics, Inc.
Classification: Benign for Breast-ovarian cancer, familial, susceptibility to, 3. Last evaluated: 2025-02-14. Review status: criteria provided, single submitter. Criteria: Myriad Autosomal Dominant, Autosomal Recessive and X-Linked Classification Criteria (2023). Collection method: clinical testing. Allele origin: unknown.
Comment: This variant is considered benign. This variant is a silent/synonymous amino acid change and it is not expected to impact splicing.

GeneDx
Classification: Uncertain significance. Last evaluated: 2023-10-16. Review status: criteria provided, single submitter. Criteria: GeneDx Variant Classification Process June 2021. Collection method: clinical testing. Allele origin: germline. Affected: yes.
Comment: Not observed at significant frequency in large population cohorts (gnomAD); In silico analysis supports that this variant does not alter splicing; Has not been previously published as pathogenic or benign to our knowledge

Women's Health and Genetics/Laboratory Corporation of America, LabCorp
Classification: Likely benign. Last evaluated: 2020-11-24. Review status: criteria provided, single submitter. Criteria: LabCorp Variant Classification Summary - May 2015. Collection method: clinical testing. Allele origin: germline.

Ambry Genetics
Classification: Likely benign for Hereditary cancer-predisposing syndrome. Last evaluated: 2017-08-15. Review status: criteria provided, single submitter. Criteria: Ambry Variant Classification Scheme 2023. Collection method: clinical testing. Allele origin: germline.

Color Diagnostics, LLC DBA Color Health
Classification: Likely benign for Hereditary cancer-predisposing syndrome. Last evaluated: 2017-05-22. Review status: criteria provided, single submitter. Criteria: ACMG Guidelines, 2015. Collection method: clinical testing. Allele origin: germline.